The following is an entry in ClinVar:

ClinVar aggregate classification (germline): Uncertain significance (1 of 4 stars; one submission).

Allele frequency attached by ClinVar (database versions not stated): TOPMed 0.00001; ESP Exome Variant Server 0.00015.
gnomAD v4.1: 18 of 1,613,748 alleles (0.0011%); highest among the groups gnomAD compares: Non-Finnish European, 0.0014%; no homozygotes.

Submission:

Labcorp Genetics (formerly Invitae), Labcorp
Classification: Uncertain significance. Last evaluated: 2022-08-05. Review status: criteria provided, single submitter. Criteria: Invitae Variant Classification Sherloc (09022015). Collection method: clinical testing. Allele origin: germline.
Comment: This variant has not been reported in the literature in individuals affected with DIP2C-related conditions. This sequence change replaces alanine, which is neutral and non-polar, with glutamic acid, which is acidic and polar, at codon 495 of the DIP2C protein (p.Ala495Glu). This variant is present in population databases (rs370308829, gnomAD 0.002%). Algorithms developed to predict the effect of missense changes on protein structure and function are either unavailable or do not agree on the potential impact of this missense change (SIFT: "Deleterious"; PolyPhen-2: "Probably Damaging"; Align-GVGD: "Class C0"). In summary, the available evidence is currently insufficient to determine the role of this variant in disease. Therefore, it has been classified as a Variant of Uncertain Significance.

NM_014974.3(DIP2C):c.1484C>A (p.Ala495Glu)

Gene: DIP2C (DIP2 acetate--CoA ligase C (putative); minus strand). Cytogenetic location: 10p15.3.
Variant type: single nucleotide variant.
Coding change: c.1484C>A on transcript NM_014974.3 (MANE Select); coding-DNA position 1484, C replaced by A.
Protein change: p.Ala495Glu; replaces alanine 495 with glutamic acid.
Molecular consequence: missense variant.
Genome position (GRCh38, 1-based): chr10:390,274, G>T on the plus strand (C>A on the coding strand, the complement: DIP2C is on the minus strand). VCF-style: chr10-390274-G-T. GRCh37 (hg19) VCF-style: chr10-436214-G-T.
Other names: short protein forms A495E.
Identifiers: ClinVar variation 2413626 (VCV002413626.6), dbSNP rs370308829, ClinGen allele CA5380915.